The following is an entry in ClinVar:

NM_001364905.1(LRBA):c.3895T>C (p.Ser1299Pro)

Gene: LRBA (LPS responsive beige-like anchor protein; minus strand). Cytogenetic location: 4q31.3.
Variant type: single nucleotide variant.
Coding change: c.3895T>C on transcript NM_001364905.1 (MANE Select); coding-DNA position 3895, T replaced by C.
Protein change: p.Ser1299Pro; replaces serine 1299 with proline.
Molecular consequence: missense variant.
Genome position (GRCh38, 1-based): chr4:150,850,833, A>G on the plus strand (T>C on the coding strand, the complement: LRBA is on the minus strand). VCF-style: chr4-150850833-A-G. GRCh37 (hg19) VCF-style: chr4-151771985-A-G.
Other names: c.3895T>C, p.Ser1299Pro (NM_001199282.3, NM_001367550.1, NM_006726.5); short protein forms S1299P.
Identifiers: ClinVar variation 473176 (VCV000473176.7), dbSNP rs1553981489, ClinGen allele CA358455688.
Genomic context (GRCh38, chr4:150,850,833, plus strand): 5'-GCAAACGTTGATGCATCTGAGACCAGTTGAACTCAGGAATACGAAACACAGTAGATCTGG[A>G]ATCCCTCCTTTGTCCATTAACTGCATCTGGTGCTATTCCTTGCCCTGGCTGCTCATGTTG-3'
Protein context (NP_001351834.1, residues 1289-1309): PDAVNGQRRD[Ser1299Pro]RSTVFRIPEF

ClinVar aggregate classification (germline): Uncertain significance. Review status: criteria provided, multiple submitters, no conflicts (2 of 4 stars). 2 submissions from 2 submitters: Uncertain significance (2). Last evaluated 2025-12-02.

Conditions:
Inborn genetic diseases. Identifiers: MedGen C0950123, MeSH D030342.
Combined immunodeficiency due to LRBA deficiency. Also called: Common variable immunodeficiency 8, with autoimmunity. Identifiers: Orphanet 445018, MedGen C3553512, MONDO:0013863, OMIM 614700.

Allele frequency attached by ClinVar (database versions not stated): gnomAD 0.00001; TOPMed 0.00001.

Submissions (2):

Ambry Genetics
Classification: Uncertain significance for Inborn genetic diseases. Last evaluated: 2025-12-02. Review status: criteria provided, single submitter. Criteria: Ambry Variant Classification Scheme 2023. Collection method: clinical testing. Allele origin: germline.

Labcorp Genetics (formerly Invitae), Labcorp
Classification: Uncertain significance for Combined immunodeficiency due to LRBA deficiency. Last evaluated: 2022-08-31. Review status: criteria provided, single submitter. Criteria: Invitae Variant Classification Sherloc (09022015). Collection method: clinical testing. Allele origin: germline.
Comment: This sequence change replaces serine, which is neutral and polar, with proline, which is neutral and non-polar, at codon 1299 of the LRBA protein (p.Ser1299Pro). This variant is not present in population databases (gnomAD no frequency). This variant has not been reported in the literature in individuals affected with LRBA-related conditions. ClinVar contains an entry for this variant (Variation ID: 473176). Algorithms developed to predict the effect of missense changes on protein structure and function (SIFT, PolyPhen-2, Align-GVGD) all suggest that this variant is likely to be tolerated. In summary, the available evidence is currently insufficient to determine the role of this variant in disease. Therefore, it has been classified as a Variant of Uncertain Significance.